The following is an entry in ClinVar:

NM_020937.4(FANCM):c.1756G>C (p.Val586Leu)

Gene: FANCM (FA complementation group M; plus strand). Cytogenetic location: 14q21.2.
Variant type: single nucleotide variant.
Coding change: c.1756G>C on transcript NM_020937.4 (MANE Select); coding-DNA position 1756, G replaced by C.
Protein change: p.Val586Leu; replaces valine 586 with leucine.
Molecular consequence: missense variant.
Genome position (GRCh38, 1-based): chr14:45,164,533, G>C. VCF-style: chr14-45164533-G-C. GRCh37 (hg19) VCF-style: chr14-45633736-G-C.
Other names: c.1678G>C, p.Val560Leu (NM_001308133.2); c.1756G>C, p.Val586Leu (NM_001308134.2); short protein forms V560L, V586L.
Identifiers: ClinVar variation 942789 (VCV000942789.12), dbSNP rs775663650, ClinGen allele CA7169143.
Genomic context (GRCh38, chr14:45,164,533, plus strand): 5'-AGCCCAATTCGTCTTGTACAACGAATGGGTAGAACTGGCCGTAAACGTCAAGGCAGGATA[G>C]TTATTATCCTTTCTGAAGGACGAGAGGAACGTGTAAGTAGAGCTGCAGAAACACAATTTG-3'
Protein context (NP_065988.1, residues 576-596): RTGRKRQGRI[Val586Leu]IILSEGREER

ClinVar aggregate classification (germline): Uncertain significance. Review status: criteria provided, multiple submitters, no conflicts (2 of 4 stars). 4 submissions from 4 submitters: Uncertain significance (4). Last evaluated 2025-07-15.

Conditions:
Spermatogenic failure 28. Identifiers: MedGen C4748117, MONDO:0054732, OMIM 618086.
Premature ovarian failure 15. Identifiers: MedGen C4748170, MONDO:0054862, OMIM 618096.
Fanconi anemia (FA). Also called: Fanconi's anemia. Identifiers: Orphanet 84, MedGen C0015625, MeSH D005199, MONDO:0019391.

Allele frequency attached by ClinVar (database versions not stated): ExAC 0.00001; gnomAD exomes 0.00002 and 0.00001; TOPMed 0.00002; gnomAD 0.00003.
gnomAD v4.1: 37 of 1,613,196 alleles (0.0023%); highest among the groups gnomAD compares: Non-Finnish European, 0.0031%; no homozygotes.

Submissions (4):

Dasa
Classification: Uncertain significance. Last evaluated: 2025-07-15. Review status: criteria provided, single submitter. Criteria: DASA Assertion Criteria. Collection method: clinical testing. Allele origin: germline.
Comment: NM_020937.4(FANCM):c.1756G>C (p.Val586Leu) is a missense variant that results in the substitution of valine with leucine. This variant is rare in population databases. Computational prediction algorithms are consistent with a benign effect. The currently available literature and clinical evidence are not sufficient to establish a definitive association between this variant and the reported condition. Therefore, this variant is classified as a variant of uncertain significance.

Labcorp Genetics (formerly Invitae), Labcorp
Classification: Uncertain significance for Fanconi anemia. Last evaluated: 2024-10-27. Review status: criteria provided, single submitter. Criteria: Invitae Variant Classification Sherloc (09022015). Collection method: clinical testing. Allele origin: germline.
Comment: This sequence change replaces valine, which is neutral and non-polar, with leucine, which is neutral and non-polar, at codon 586 of the FANCM protein (p.Val586Leu). This variant is present in population databases (rs775663650, gnomAD 0.003%). This variant has not been reported in the literature in individuals affected with FANCM-related conditions. ClinVar contains an entry for this variant (Variation ID: 942789). An algorithm developed to predict the effect of missense changes on protein structure and function (PolyPhen-2) suggests that this variant¬†is likely to be tolerated. In summary, the available evidence is currently insufficient to determine the role of this variant in disease. Therefore, it has been classified as a Variant of Uncertain Significance.

Fulgent Genetics
Classification: Uncertain significance for Spermatogenic failure 28; Premature ovarian failure 15. Last evaluated: 2024-01-23. Review status: criteria provided, single submitter. Criteria: ACMG Guidelines, 2015. Collection method: clinical testing. Allele origin: germline.

GeneDx
Classification: Uncertain significance. Last evaluated: 2022-12-02. Review status: criteria provided, single submitter. Criteria: GeneDx Variant Classification Process June 2021. Collection method: clinical testing. Allele origin: germline. Affected: yes.
Comment: Not observed at a significant frequency in large population cohorts (gnomAD); In silico analysis supports that this missense variant has a deleterious effect on protein structure/function; Observed in individuals with ovarian cancer (Dicks et al., 2017); This variant is associated with the following publications: (PMID: 28881617)